The following is an entry in ClinVar:

NM_001103.4(ACTN2):c.1708G>A (p.Gly570Arg)

Gene: ACTN2 (actinin alpha 2; plus strand). Cytogenetic location: 1q43.
Variant type: single nucleotide variant.
Coding change: c.1708G>A on transcript NM_001103.4 (MANE Select); coding-DNA position 1708, G replaced by A.
Protein change: p.Gly570Arg; replaces glycine 570 with arginine.
Molecular consequence: missense variant.
Genome position (GRCh38, 1-based): chr1:236,751,521, G>A. VCF-style: chr1-236751521-G-A. GRCh37 (hg19) VCF-style: chr1-236914821-G-A.
Other names: c.1708G>A, p.Gly570Arg (NM_001278343.2); c.1084G>A, p.Gly362Arg (NM_001278344.2); short protein forms G570R, G362R.
Identifiers: ClinVar variation 373132 (VCV000373132.18), dbSNP rs373132971, ClinGen allele CA1473232.

ClinVar aggregate classification (germline): Conflicting classifications of pathogenicity. Review status: criteria provided, conflicting classifications (1 of 4 stars). 4 submissions from 4 submitters: Uncertain significance (3); Benign (1). Last evaluated 2025-08-24.

Conditions:
Primary familial hypertrophic cardiomyopathy (HCM). Identifiers: Orphanet 99739, MedGen C0949658, MeSH D024741, MONDO:0024573. Inheritance: Various modes of inheritance.
Dilated cardiomyopathy 1AA (CMD1AA). Also called: CARDIOMYOPATHY, DILATED, 1AA, WITH OR WITHOUT LEFT VENTRICULAR NONCOMPACTION; CARDIOMYOPATHY, FAMILIAL HYPERTROPHIC, 23, WITH OR WITHOUT LEFT VENTRICULAR NONCOMPACTION; Cardiomyopathy, dilated, 1AA, with or without LVNC. Identifiers: Orphanet 154, MedGen C2677338, MONDO:0012808, OMIM 612158.
Cardiovascular phenotype. Identifiers: MedGen CN230736.

Allele frequency attached by ClinVar (database versions not stated): gnomAD 0.00002 and 0.00003; gnomAD exomes 0.00002 and 0.00005; TOPMed 0.00003; ExAC 0.00006; ESP Exome Variant Server 0.00008.
gnomAD v4.1: 38 of 1,614,090 alleles (0.0024%); highest among the groups gnomAD compares: South Asian, 0.022%; 1 homozygote.

Submissions (4):

Labcorp Genetics (formerly Invitae), Labcorp
Classification: Benign for Primary familial hypertrophic cardiomyopathy; Dilated cardiomyopathy 1AA. Last evaluated: 2025-08-24. Review status: criteria provided, single submitter. Criteria: Invitae Variant Classification Sherloc (09022015). Collection method: clinical testing. Allele origin: germline.

Ambry Genetics
Classification: Uncertain significance for Cardiovascular phenotype. Last evaluated: 2023-11-12. Review status: criteria provided, single submitter. Criteria: Ambry Variant Classification Scheme 2023. Collection method: clinical testing. Allele origin: germline.
Comment: The p.G570R variant (also known as c.1708G>A), located in coding exon 15 of the ACTN2 gene, results from a G to A substitution at nucleotide position 1708. The glycine at codon 570 is replaced by arginine, an amino acid with dissimilar properties. This amino acid position is conserved. In addition, this alteration is predicted to be tolerated by in silico analysis. Since supporting evidence is limited at this time, the clinical significance of this alteration remains unclear.

Revvity Omics, Revvity
Classification: Uncertain significance. Last evaluated: 2019-06-28. Review status: criteria provided, single submitter. Criteria: ACMG Guidelines, 2015. Collection method: clinical testing. Allele origin: germline.

GeneDx
Classification: Uncertain significance. Last evaluated: 2016-11-15. Review status: criteria provided, single submitter. Criteria: GeneDx Variant Classification (06012015). Collection method: clinical testing. Allele origin: germline. Affected: yes.
Comment: The G570R variant of uncertain significance in the ACTN2 gene has not been published as a pathogenic or benign variant to our knowledge. This variant was not observed with any significant frequency in either 8,600 alleles from individuals of European and African American ancestry in the NHLBI Exome Sequencing Project or approximately 16,500 alleles from individuals of South Asian ancestry in the Exome Aggregation Consortium. The G570R variant is a non-conservative amino acid substitution, which is likely to impact secondary protein structure as these residues differ in polarity, charge, size and/or other properties. This substitution also occurs at a position that is conserved in mammals. Nevertheless, in silico analysis is inconsistent in its predictions as to whether or not the variant is damaging to the protein structure/function. Furthermore, no missense variants in nearby residues have been reported in the Human Gene Mutation Database in association with cardiomyopathy (Stenson et al., 2014). Therefore, based on the currently available information, it is unclear whether this variant is pathogenic or rare benign.